The following is an entry in ClinVar:

NM_003105.6(SORL1):c.6118C>T (p.Leu2040Phe)

Gene: SORL1 (sortilin related receptor 1; plus strand). Cytogenetic location: 11q24.1.
Variant type: single nucleotide variant.
Coding change: c.6118C>T on transcript NM_003105.6 (MANE Select); coding-DNA position 6118, C replaced by T.
Protein change: p.Leu2040Phe; replaces leucine 2040 with phenylalanine.
Molecular consequence: missense variant.
Genome position (GRCh38, 1-based): chr11:121,622,215, C>T. VCF-style: chr11-121622215-C-T. GRCh37 (hg19) VCF-style: chr11-121492924-C-T.
Other names: short protein forms L2040F.
Identifiers: ClinVar variation 2868731 (VCV002868731.3), dbSNP rs1299865112, ClinGen allele CA383044628.

ClinVar aggregate classification (germline): Uncertain significance (1 of 4 stars; one submission).

Allele frequency attached by ClinVar (database versions not stated): gnomAD 0.00001.
gnomAD v4.1: 4 of 1,612,718 alleles (0.00025%); highest among the groups gnomAD compares: East Asian, 0.0022%; no homozygotes.

Submission:

Labcorp Genetics (formerly Invitae), Labcorp
Classification: Uncertain significance. Last evaluated: 2023-08-17. Review status: criteria provided, single submitter. Criteria: Invitae Variant Classification Sherloc (09022015). Collection method: clinical testing. Allele origin: germline.
Comment: This sequence change replaces leucine, which is neutral and non-polar, with phenylalanine, which is neutral and non-polar, at codon 2040 of the SORL1 protein (p.Leu2040Phe). The frequency data for this variant in the population databases is considered unreliable, as metrics indicate poor data quality at this position in the gnomAD database. This variant has not been reported in the literature in individuals affected with SORL1-related conditions. An algorithm developed to predict the effect of missense changes on protein structure and function (PolyPhen-2) suggests that this variant is likely to be tolerated. In summary, the available evidence is currently insufficient to determine the role of this variant in disease. Therefore, it has been classified as a Variant of Uncertain Significance.